The following is an entry in ClinVar:

NM_138694.4(PKHD1):c.8348T>C (p.Leu2783Pro)

Gene: PKHD1 (PKHD1 ciliary IPT domain containing fibrocystin/polyductin; minus strand). Cytogenetic location: 6p12.3.
Variant type: single nucleotide variant.
Coding change: c.8348T>C on transcript NM_138694.4 (MANE Select); coding-DNA position 8348, T replaced by C.
Protein change: p.Leu2783Pro; replaces leucine 2783 with proline.
Molecular consequence: missense variant.
Genome position (GRCh38, 1-based): chr6:51,791,328, A>G on the plus strand (T>C on the coding strand, the complement: PKHD1 is on the minus strand). VCF-style: chr6-51791328-A-G. GRCh37 (hg19) VCF-style: chr6-51656126-A-G.
Other names: c.8348T>C, p.Leu2783Pro (NM_170724.3); short protein forms L2783P.
Identifiers: ClinVar variation 3764568 (VCV003764568.1).
Genomic context (GRCh38, chr6:51,791,328, plus strand): 5'-CATGCCACACTCAGAACATTGCTTCTGTCCACAGGGAAGTCTAAGGTCCCCATCACATAC[A>G]GCCCTTTGAAGAATGGAAGATCTGTATCCACAAGGACAGTTCTGTCTGTGGAAGAAAAAG-3'
Protein context (NP_619639.3, residues 2773-2793): VDTDLPFFKG[Leu2783Pro]YVMGTLDFPV

ClinVar aggregate classification (germline): Uncertain significance (1 of 4 stars; one submission).

Conditions:
Polycystic kidney disease 4 (PKD4). Also called: POLYCYSTIC KIDNEY DISEASE 4 WITH OR WITHOUT POLYCYSTIC LIVER DISEASE; PKD3; Autosomal Recessive Polycystic Kidney Disease – PKHD1; POLYCYSTIC KIDNEY AND HEPATIC DISEASE 1; POLYCYSTIC KIDNEY DISEASE, INFANTILE, TYPE I. Identifiers: MedGen C4540575, MONDO:0033004, OMIM 263200.

gnomAD v4.1: 2 of 1,613,302 alleles (0.00012%); highest among the groups gnomAD compares: South Asian, 0.0011%; no homozygotes.

Submission:

Daryl Scott Lab, Baylor College of Medicine
Classification: Uncertain significance for Polycystic kidney disease 4. Last evaluated: 2024-01-01. Review status: criteria provided, single submitter. Criteria: ACMG Guidelines, 2015. Collection method: clinical testing. Allele origin: maternal. Affected: yes. Observed: 1 heterozygote.
Comment: PM2